The following is an entry in ClinVar:

NM_015192.4(PLCB1):c.1078G>C (p.Val360Leu)

Gene: PLCB1 (phospholipase C beta 1; plus strand). Cytogenetic location: 20p12.3.
Variant type: single nucleotide variant.
Coding change: c.1078G>C on transcript NM_015192.4 (MANE Select); coding-DNA position 1078, G replaced by C.
Protein change: p.Val360Leu; replaces valine 360 with leucine.
Molecular consequence: missense variant.
Genome position (GRCh38, 1-based): chr20:8,697,694, G>C. VCF-style: chr20-8697694-G-C. GRCh37 (hg19) VCF-style: chr20-8678341-G-C.
Other names: c.1078G>C, p.Val360Leu (NM_182734.3); short protein forms V360L.
Identifiers: ClinVar variation 538878 (VCV000538878.9), dbSNP rs1224516482, ClinGen allele CA408197381.

ClinVar aggregate classification (germline): Uncertain significance. Review status: criteria provided, multiple submitters, no conflicts (2 of 4 stars). 2 submissions from 2 submitters: Uncertain significance (2). Last evaluated 2022-06-24.

Conditions:
Inborn genetic diseases. Identifiers: MedGen C0950123, MeSH D030342.
Developmental and epileptic encephalopathy, 12 (DEE12). Identifiers: MedGen C3150988, MONDO:0013389, OMIM 613722.

Allele frequency attached by ClinVar (database versions not stated): gnomAD exomes below 0.00001; TOPMed 0.00001.
gnomAD v4.1: 17 of 1,614,094 alleles (0.0011%); highest among the groups gnomAD compares: Non-Finnish European, 0.0014%; no homozygotes.

Submissions (2):

Labcorp Genetics (formerly Invitae), Labcorp
Classification: Uncertain significance for Developmental and epileptic encephalopathy, 12. Last evaluated: 2022-06-24. Review status: criteria provided, single submitter. Criteria: Invitae Variant Classification Sherloc (09022015). Collection method: clinical testing. Allele origin: germline.
Comment: This variant has not been reported in the literature in individuals affected with PLCB1-related conditions. This variant is present in population databases (no rsID available, gnomAD 0.002%). This sequence change replaces valine, which is neutral and non-polar, with leucine, which is neutral and non-polar, at codon 360 of the PLCB1 protein (p.Val360Leu). ClinVar contains an entry for this variant (Variation ID: 538878). In summary, the available evidence is currently insufficient to determine the role of this variant in disease. Therefore, it has been classified as a Variant of Uncertain Significance. Algorithms developed to predict the effect of missense changes on protein structure and function (SIFT, PolyPhen-2, Align-GVGD) all suggest that this variant is likely to be disruptive.

Ambry Genetics
Classification: Uncertain significance for Inborn genetic diseases. Last evaluated: 2018-04-06. Review status: criteria provided, single submitter. Criteria: Ambry Variant Classification Scheme 2023. Collection method: clinical testing. Allele origin: germline.
Comment: The p.V360L variant (also known as c.1078G>C), located in coding exon 11 of the PLCB1 gene, results from a G to C substitution at nucleotide position 1078. The valine at codon 360 is replaced by leucine, an amino acid with highly similar properties. This amino acid position is not well conserved in available vertebrate species. In addition, the in silico prediction for this alteration is inconclusive. Since supporting evidence is limited at this time, the clinical significance of this alteration remains unclear.